The following is an entry in ClinVar:

ClinVar aggregate classification (germline): Uncertain significance. Review status: criteria provided, multiple submitters, no conflicts (2 of 4 stars). 2 submissions from 2 submitters: Uncertain significance (2). Last evaluated 2026-08-05.

Conditions:
Hereditary cancer-predisposing syndrome. Also called: Tumor predisposition; Hereditary neoplastic syndrome; Neoplastic Syndromes, Hereditary; Hereditary Cancer Syndrome. Identifiers: Orphanet 140162, MedGen C0027672, MeSH D009386, MONDO:0015356.

Allele frequency attached by ClinVar (database versions not stated): gnomAD exomes below 0.00001.
gnomAD v4.1: 2 of 1,613,892 alleles (0.00012%); highest among the groups gnomAD compares: Non-Finnish European, 0.00017%; no homozygotes.

Submissions (2):

Ambry Genetics
Classification: Uncertain significance for Hereditary cancer-predisposing syndrome. Last evaluated: 2026-08-05. Review status: criteria provided, single submitter. Criteria: Ambry Variant Classification Scheme 2023. Collection method: clinical testing. Allele origin: germline.

Labcorp Genetics (formerly Invitae), Labcorp
Classification: Uncertain significance. Last evaluated: 2025-05-30. Review status: criteria provided, single submitter. Criteria: Invitae Variant Classification Sherloc (09022015). Collection method: clinical testing. Allele origin: germline.
Comment: This sequence change replaces glutamine, which is neutral and polar, with histidine, which is basic and polar, at codon 153 of the CTNNA1 protein (p.Gln153His). This variant is not present in population databases (gnomAD no frequency). This variant has not been reported in the literature in individuals affected with CTNNA1-related conditions. ClinVar contains an entry for this variant (Variation ID: 1718285). An algorithm developed to predict the effect of missense changes on protein structure and function (PolyPhen-2) suggests that this variant is likely to be tolerated. In summary, the available evidence is currently insufficient to determine the role of this variant in disease. Therefore, it has been classified as a Variant of Uncertain Significance.

NM_001903.5(CTNNA1):c.459G>C (p.Gln153His)

Gene: CTNNA1 (catenin alpha 1; plus strand). Cytogenetic location: 5q31.2.
Variant type: single nucleotide variant.
Coding change: c.459G>C on transcript NM_001903.5 (MANE Select); coding-DNA position 459, G replaced by C.
Protein change: p.Gln153His; replaces glutamine 153 with histidine.
Molecular consequence: missense variant.
Genome position (GRCh38, 1-based): chr5:138,810,195, G>C. VCF-style: chr5-138810195-G-C. GRCh37 (hg19) VCF-style: chr5-138145884-G-C.
Other names: c.459G>C, p.Gln153His (NM_001290307.3, NM_001323982.2, NM_001323983.1 and 3 more transcripts); c.150G>C, p.Gln50His (NM_001290309.3); c.90G>C, p.Gln30His (NM_001290310.3); c.459G>C (NM_001903.2); short protein forms Q153H, Q30H, Q50H.
Identifiers: ClinVar variation 1718285 (VCV001718285.8), dbSNP rs961630194, ClinGen allele CA128219177.
Genomic context (GRCh38, chr5:138,810,195, plus strand): 5'-TGCTGTTACCCGGTTGCTGATTTTGGCTGACATGGCAGATGTCTACAAATTACTTGTTCA[G>C]CTGAAAGTTGTAAGTATACAGGCCTATGTCTGTAATTTGTTCTATCACAGGAAGATTGCT-3'
Protein context (NP_001894.2, residues 143-163): DMADVYKLLV[Gln153His]LKVVEDGILK